The following is an entry in ClinVar:

NM_020791.4(TAOK1):c.449G>T (p.Arg150Ile)

Gene: TAOK1 (TAO kinase 1; plus strand). Cytogenetic location: 17q11.2.
Variant type: single nucleotide variant.
Coding change: c.449G>T on transcript NM_020791.4 (MANE Select); coding-DNA position 449, G replaced by T.
Protein change: p.Arg150Ile; replaces arginine 150 with isoleucine.
Molecular consequence: missense variant.
Genome position (GRCh38, 1-based): chr17:29,478,347, G>T. VCF-style: chr17-29478347-G-T. GRCh37 (hg19) VCF-style: chr17-27805365-G-T.
Other names: c.449G>T, p.Arg150Ile (NM_025142.1); short protein forms R150I.
Identifiers: ClinVar variation 985562 (VCV000985562.8), dbSNP rs2030989355, ClinGen allele CA399189842.

ClinVar aggregate classification (germline): Likely pathogenic. Review status: criteria provided, single submitter (1 of 4 stars). 2 submissions from 2 submitters: Likely pathogenic (1). 1 of the submissions does not count toward it. Last evaluated 2020-01-30.

Conditions:
DEVELOPMENTAL DELAY WITHOUT INTELLECTUAL IMPAIRMENT OR BEHAVIORAL ABNORMALITIES.
Inborn genetic diseases. Identifiers: MedGen C0950123, MeSH D030342.

Submissions (2):

Ambry Genetics
Classification: Likely pathogenic for Inborn genetic diseases. Last evaluated: 2020-01-30. Review status: criteria provided, single submitter. Criteria: Ambry Variant Classification Scheme 2023. Collection method: clinical testing. Allele origin: germline.
Comment: The alteration results in an amino acid change:_x000D_ _x000D_ The c.449G>T (p.R150I) alteration is located in exon 6 (coding exon 5) of the TAOK1 gene. This alteration results from a G to T substitution at nucleotide position 449. This change occurs in the last base pair of coding exon 5, which makes it likely to have some effect on normal mRNA splicing. In addition to potential splicing impact, this alteration causes the arginine (R) at amino acid position 150 to be replaced by an isoleucine (I). The alteration is not observed in population databases:_x000D_ _x000D_ Based on data from the Genome Aggregation Database (gnomAD), the TAOK1 c.449G>T alteration was not observed, with coverage at this position. The altered nucleotide is conserved throughout evolution:_x000D_ _x000D_ The c.449G nucleotide is conserved in available vertebrate species. The amino acid is located in a functionally important protein domain:_x000D_ _x000D_ The p.R150 amino acid is located in the conserved kinase domain, also known as catalytic domain, of the TAOK1 protein. The catalytic domains of protein kinases contain 12 conserved subdomains that fold into a common catalytic core structure. R150 is part of the catalytic loop of subdomain VIB and adjacent to residue D151, which is likely important for the catalytic activity of that region (Hanks, 1995). The alteration is predicted deleterious by in silico modeling:_x000D_ _x000D_ The p.R150I amino acid change is predicted to be deleterious by in silico analysis. Additionally, this nucleotide change is predicted to weaken the native splice donor site based on the BDGP and ESEfinder splice site in silico tools; however, direct evidence is unavailable. Based on the available evidence, this alteration is classified as likely pathogenic.

OMIM
Classification: Pathogenic for DEVELOPMENTAL DELAY WITHOUT INTELLECTUAL IMPAIRMENT OR BEHAVIORAL ABNORMALITIES. Last evaluated: 2026-04-27. Review status: no assertion criteria provided. Collection method: literature only. Allele origin: germline. Not counted in ClinVar's aggregate classification.

Literature cited by the submitters: PubMed 7768349 (cited by Ambry Genetics); PubMed 31230721 (cited by Ambry Genetics); PubMed 33565190 (cited by OMIM).